The following is an entry in ClinVar:

ClinVar aggregate classification (germline): Pathogenic/Likely pathogenic. Review status: criteria provided, multiple submitters, no conflicts (2 of 4 stars). 4 submissions from 4 submitters: Pathogenic (2); Likely pathogenic (2). Last evaluated 2025-08-04.

Conditions:
Autosomal recessive limb-girdle muscular dystrophy type R18 (LGMDR18). Also called: Limb-girdle muscular dystrophy, type 2S; MUSCULAR DYSTROPHY, LIMB-GIRDLE, AUTOSOMAL RECESSIVE 18; Autosomal recessive limb-girdle muscular dystrophy type 2S. Identifiers: Orphanet 369840, MedGen C4517996, MONDO:0014144, OMIM 615356.

Submissions (4):

Labcorp Genetics (formerly Invitae), Labcorp
Classification: Pathogenic for Autosomal recessive limb-girdle muscular dystrophy type R18. Last evaluated: 2025-08-04. Review status: criteria provided, single submitter. Criteria: Invitae Variant Classification Sherloc (09022015). Collection method: clinical testing. Allele origin: germline.
Comment: This sequence change creates a premature translational stop signal (p.Ser171Cysfs*15) in the TRAPPC11 gene. It is expected to result in an absent or disrupted protein product. Loss-of-function variants in TRAPPC11 are known to be pathogenic (PMID: 23830518, 26322222). This variant is present in population databases (rs759415592, gnomAD 0.006%). This variant has not been reported in the literature in individuals affected with TRAPPC11-related conditions. ClinVar contains an entry for this variant (Variation ID: 1325225). For these reasons, this variant has been classified as Pathogenic.

Fulgent Genetics
Classification: Likely pathogenic for Autosomal recessive limb-girdle muscular dystrophy type R18. Last evaluated: 2024-02-08. Review status: criteria provided, single submitter. Criteria: ACMG Guidelines, 2015. Collection method: clinical testing. Allele origin: germline.

CeGaT Center for Human Genetics Tuebingen
Classification: Pathogenic. Last evaluated: 2023-03-01. Review status: criteria provided, single submitter. Criteria: CeGaT Center For Human Genetics Tuebingen Variant Classification Criteria Version 2. Collection method: clinical testing. Allele origin: germline. Affected: yes. Observed: 1 variant allele.
Comment: TRAPPC11: PVS1, PM2

Breda Genetics srl
Classification: Likely pathogenic for Autosomal recessive limb-girdle muscular dystrophy type R18. Last evaluated: 2021-11-09. Review status: criteria provided, single submitter. Criteria: ACMG Guidelines, 2015. Collection method: clinical testing. Allele origin: germline. Inheritance: Autosomal recessive inheritance. Affected: yes. Observed: 1 variant allele, 1 compound heterozygote.
Comment: The variant c.511_514del (p.Ser171Cysfs*15) in the TRAPPC11 gene creates a shift in the reading frame which is predicted to result in a premature stop codon 15 amino acids downstream and in a truncated protein or protein loss due to nonsense-mediated messenger decay (NMD). The variant is reported with an estimated allele frequency of 0.0000239 in gnomAD exomes, with no homozygous individuals reported. The variant falls close to another mutation reported in the literature, c.518_521del (p.Phe173fs), which is pathogenic for autosomal recessive limb-girdle muscular dystrophy (Variation ID: 1033986).

Literature cited by the submitters: PubMed 23830518 (cited by Labcorp Genetics (formerly Invitae), Labcorp); PubMed 26322222 (cited by Labcorp Genetics (formerly Invitae), Labcorp).

NM_021942.6(TRAPPC11):c.512_515del (p.Ser171fs)

Gene: TRAPPC11 (trafficking protein particle complex subunit 11; plus strand). Cytogenetic location: 4q35.1.
Variant type: Deletion.
Coding change: c.512_515del on transcript NM_021942.6 (MANE Select); coding-DNA positions 512 to 515, 4 bases deleted (CTTT; older notation c.512_515delCTTT).
Protein change: p.Ser171fs; shifts the reading frame from serine 171.
Molecular consequence: frameshift variant.
Genome position (GRCh38, 1-based): chr4:183,668,069-183,668,072, CTTT deleted; deleting any 4 consecutive bases within chr4:183,668,068-183,668,072 gives the same sequence; the c. name uses the placement nearest the transcript's 3' end. VCF-style (leftmost placement, unchanged base first): chr4-183668067-GTCTT-G. GRCh37 (hg19) VCF-style: chr4-184589220-GTCTT-G.
Other names: c.512_515del, p.Ser171fs (NM_199053.3); c.511_514del (NM_021942.6); short protein forms S171fs.
Identifiers: ClinVar variation 1325225 (VCV001325225.38), dbSNP rs759415592, ClinGen allele CA3151604.